The following is an entry in ClinVar:

NM_174934.4(SCN4B):c.475G>C (p.Asp159His)

Gene: SCN4B (sodium voltage-gated channel beta subunit 4; minus strand). Cytogenetic location: 11q23.3.
Variant type: single nucleotide variant.
Coding change: c.475G>C on transcript NM_174934.4 (MANE Select); coding-DNA position 475, G replaced by C.
Protein change: p.Asp159His; replaces aspartic acid 159 with histidine.
Molecular consequence: missense variant. On other transcripts: non-coding transcript variant (1).
Genome position (GRCh38, 1-based): chr11:118,141,325, C>G on the plus strand (G>C on the coding strand, the complement: SCN4B is on the minus strand). VCF-style: chr11-118141325-C-G. GRCh37 (hg19) VCF-style: chr11-118012040-C-G.
Other names: c.475G>C (NM_174934.3); c.73G>C, p.Asp25His (NM_001142348.2); c.145G>C, p.Asp49His (NM_001142349.2); short protein forms D25H, D159H, D49H.
Identifiers: ClinVar variation 1037322 (VCV001037322.9), dbSNP rs1565455142, ClinGen allele CA382777643.

ClinVar aggregate classification (germline): Uncertain significance. Review status: criteria provided, multiple submitters, no conflicts (2 of 4 stars). 2 submissions from 2 submitters: Uncertain significance (2). Last evaluated 2024-03-30.

Conditions:
Cardiovascular phenotype. Identifiers: MedGen CN230736.
Long QT syndrome 10 (LQT10). Identifiers: Orphanet 101016, Orphanet 768, MedGen C2678484, MONDO:0012737, OMIM 611819.

Allele frequency attached by ClinVar (database versions not stated): gnomAD exomes below 0.00001.
gnomAD v4.1: 5 of 1,612,328 alleles (0.00031%); highest among the groups gnomAD compares: Middle Eastern, 0.022%; no homozygotes.

Submissions (2):

Ambry Genetics
Classification: Uncertain significance for Cardiovascular phenotype. Last evaluated: 2024-03-30. Review status: criteria provided, single submitter. Criteria: Ambry Variant Classification Scheme 2023. Collection method: clinical testing. Allele origin: germline.
Comment: The p.D159H variant (also known as c.475G>C), located in coding exon 4 of the SCN4B gene, results from a G to C substitution at nucleotide position 475. The aspartic acid at codon 159 is replaced by histidine, an amino acid with similar properties. This amino acid position is conserved. In addition, this alteration is predicted to be deleterious by in silico analysis. Based on the available evidence, the clinical significance of this alteration remains unclear.

Labcorp Genetics (formerly Invitae), Labcorp
Classification: Uncertain significance for Long QT syndrome 10. Last evaluated: 2020-10-05. Review status: criteria provided, single submitter. Criteria: Invitae Variant Classification Sherloc (09022015). Collection method: clinical testing. Allele origin: germline.
Comment: This sequence change replaces aspartic acid with histidine at codon 159 of the SCN4B protein (p.Asp159His). The aspartic acid residue is highly conserved and there is a moderate physicochemical difference between aspartic acid and histidine. This variant is not present in population databases (ExAC no frequency). This variant has not been reported in the literature in individuals with SCN4B-related conditions. Algorithms developed to predict the effect of missense changes on protein structure and function are either unavailable or do not agree on the potential impact of this missense change (SIFT: "Deleterious"; PolyPhen-2: "Probably Damaging"; Align-GVGD: "Class C0"). In summary, the available evidence is currently insufficient to determine the role of this variant in disease. Therefore, it has been classified as a Variant of Uncertain Significance.